The following is an entry in ClinVar:

ClinVar aggregate classification (germline): Uncertain significance (1 of 4 stars; one submission).

Conditions:
Autosomal recessive ataxia, Beauce type. Also called: SYNE1-Related Autosomal Recessive Cerebellar Ataxia; Spinocerebellar ataxia, autosomal recessive 8; ATAXIA, RECESSIVE, OF BEAUCE; SYNE1 Deficiency. Identifiers: Orphanet 88644, MedGen C1853116, MONDO:0012549, OMIM 610743.
Emery-Dreifuss muscular dystrophy 4, autosomal dominant (EDMD4). Also called: EMERY-DREIFUSS MUSCULAR DYSTROPHY 4 WITH VARIABLE FEATURES. Identifiers: Orphanet 261, MedGen C2751807, MONDO:0013071, OMIM 612998.

gnomAD v4.1: 1 of 1,614,174 alleles (0.000062%); highest among the groups gnomAD compares: Non-Finnish European, 0.000085%; no homozygotes.

Submission:

Labcorp Genetics (formerly Invitae), Labcorp
Classification: Uncertain significance for Emery-Dreifuss muscular dystrophy 4, autosomal dominant; Autosomal recessive ataxia, Beauce type. Last evaluated: 2025-11-04. Review status: criteria provided, single submitter. Criteria: Invitae Variant Classification Sherloc (09022015). Collection method: clinical testing. Allele origin: germline.
Comment: This sequence change replaces methionine, which is neutral and non-polar, with isoleucine, which is neutral and non-polar, at codon 3727 of the SYNE1 protein (p.Met3727Ile). This variant is present in population databases (no rsID available, gnomAD 0.0009%). This missense change has been observed in individual(s) with SYNE1-related conditions (PMID: 25133958). An algorithm developed to predict the effect of missense changes on protein structure and function (PolyPhen-2) suggests that this variant is likely to be tolerated. In summary, the available evidence is currently insufficient to determine the role of this variant in disease. Therefore, it has been classified as a Variant of Uncertain Significance.

Literature cited by the submitters: PubMed 25133958.

NM_182961.4(SYNE1):c.11226G>T (p.Met3742Ile)

Gene: SYNE1 (spectrin repeat containing nuclear envelope protein 1; minus strand). Cytogenetic location: 6q25.2.
Variant type: single nucleotide variant.
Coding change: c.11226G>T on transcript NM_182961.4 (MANE Select); coding-DNA position 11226, G replaced by T.
Protein change: p.Met3742Ile; replaces methionine 3742 with isoleucine.
Molecular consequence: missense variant.
Genome position (GRCh38, 1-based): chr6:152,353,290, C>A on the plus strand (G>T on the coding strand, the complement: SYNE1 is on the minus strand). VCF-style: chr6-152353290-C-A. GRCh37 (hg19) VCF-style: chr6-152674425-C-A.
Other names: c.11181G>T, p.Met3727Ile (NM_033071.5); short protein forms M3727I, M3742I.
Identifiers: ClinVar variation 4783654 (VCV004783654.1).